The following is an entry in ClinVar:

ClinVar aggregate classification (germline): Benign/Likely benign. Review status: criteria provided, multiple submitters, no conflicts (2 of 4 stars). 3 submissions from 3 submitters: Benign (1); Likely benign (2). Last evaluated 2024-06-12.

Conditions:
Hereditary cancer-predisposing syndrome. Also called: Hereditary neoplastic syndrome; Neoplastic Syndromes, Hereditary; Tumor predisposition; Hereditary Cancer Syndrome. Identifiers: Orphanet 140162, MedGen C0027672, MeSH D009386, MONDO:0015356.
Ataxia-telangiectasia syndrome (AT). Also called: Ataxia telangiectasia (A-T); LOUIS-BAR SYNDROME; Cerebello-oculocutaneous telangiectasia; Immunodeficiency with ataxia telangiectasia; Ataxia-telangiectasia, complementation group D; AT, COMPLEMENTATION GROUP C. Identifiers: Orphanet 100, MedGen C0004135, MONDO:0008840, OMIM 208900.
Familial cancer of breast. Also called: Hereditary breast cancer; hereditary breast carcinoma; BREAST CANCER, FAMILIAL. Identifiers: Orphanet 227535, MedGen C0346153, MONDO:0016419, OMIM 114480. Disease mechanism: loss of function.

Submissions (3):

Myriad Genetics, Inc.
Classification: Benign for Familial cancer of breast. Last evaluated: 2024-06-12. Review status: criteria provided, single submitter. Criteria: Myriad Autosomal Dominant, Autosomal Recessive and X-Linked Classification Criteria (2023). Collection method: clinical testing. Allele origin: unknown.
Comment: This variant is considered benign. This variant is a silent/synonymous amino acid change and it is not expected to impact splicing.

Labcorp Genetics (formerly Invitae), Labcorp
Classification: Likely benign for Ataxia-telangiectasia syndrome. Last evaluated: 2023-09-10. Review status: criteria provided, single submitter. Criteria: Invitae Variant Classification Sherloc (09022015). Collection method: clinical testing. Allele origin: germline.

Ambry Genetics
Classification: Likely benign for Hereditary cancer-predisposing syndrome. Last evaluated: 2021-12-20. Review status: criteria provided, single submitter. Criteria: Ambry Variant Classification Scheme 2023. Collection method: clinical testing. Allele origin: germline.

NM_000051.4(ATM):c.6849A>C (p.Ser2283=)

Genes: ATM (ATM serine/threonine kinase; plus strand), C11orf65 (chromosome 11 open reading frame 65; minus strand). Cytogenetic location: 11q22.3.
Variant type: single nucleotide variant.
Coding change: c.6849A>C on transcript NM_000051.4 (MANE Select); coding-DNA position 6849, A replaced by C.
Protein change: p.Ser2283=; no amino-acid change (serine 2283 retained).
Molecular consequence: synonymous variant. On other transcripts: intron variant (2).
Genome position (GRCh38, 1-based): chr11:108,326,099, A>C. VCF-style: chr11-108326099-A-C. GRCh37 (hg19) VCF-style: chr11-108196826-A-C.
Other names: c.6849A>C, p.Ser2283= (NM_001351834.2); c.641-17028T>G (NM_001330368.2); c.*38+9121T>G (NM_001351110.2).
Identifiers: ClinVar variation 1755760 (VCV001755760.6), dbSNP rs2136333272, ClinGen allele CA476676298.